The following is an entry in ClinVar:

ClinVar aggregate classification (germline): Conflicting classifications of pathogenicity. Review status: criteria provided, conflicting classifications (1 of 4 stars). 3 submissions from 3 submitters: Uncertain significance (2); Likely benign (1). Last evaluated 2025-12-18.

Conditions:
Hereditary cancer-predisposing syndrome. Also called: Neoplastic Syndromes, Hereditary; Tumor predisposition; Hereditary Cancer Syndrome; Hereditary neoplastic syndrome. Identifiers: Orphanet 140162, MedGen C0027672, MeSH D009386, MONDO:0015356.
Familial cancer of breast. Also called: BREAST CANCER, FAMILIAL; Hereditary breast cancer; hereditary breast carcinoma. Identifiers: Orphanet 227535, MedGen C0346153, MONDO:0016419, OMIM 114480. Disease mechanism: loss of function.

Allele frequency attached by ClinVar (database versions not stated): TOPMed below 0.00001; gnomAD 0.00001 and 0.00003; ExAC 0.00002; gnomAD exomes 0.00004.
gnomAD v4.1: 34 of 1,614,016 alleles (0.0021%); highest among the groups gnomAD compares: South Asian, 0.032%; no homozygotes.

Submissions (3):

Labcorp Genetics (formerly Invitae), Labcorp
Classification: Uncertain significance for Familial cancer of breast. Last evaluated: 2025-12-18. Review status: criteria provided, single submitter. Criteria: Invitae Variant Classification Sherloc (09022015). Collection method: clinical testing. Allele origin: germline.
Comment: This sequence change replaces cysteine, which is neutral and slightly polar, with tyrosine, which is neutral and polar, at codon 653 of the PALB2 protein (p.Cys653Tyr). This variant is present in population databases (rs771246748, gnomAD 0.03%). This variant has not been reported in the literature in individuals affected with PALB2-related conditions. ClinVar contains an entry for this variant (Variation ID: 187730). Invitae Evidence Modeling of protein sequence and biophysical properties (such as structural, functional, and spatial information, amino acid conservation, physicochemical variation, residue mobility, and thermodynamic stability) indicates that this missense variant is not expected to disrupt PALB2 protein function with a negative predictive value of 80%. In summary, the available evidence is currently insufficient to determine the role of this variant in disease. Therefore, it has been classified as a Variant of Uncertain Significance.

Ambry Genetics
Classification: Likely benign for Hereditary cancer-predisposing syndrome. Last evaluated: 2023-04-18. Review status: criteria provided, single submitter. Criteria: Ambry Variant Classification Scheme 2023. Collection method: clinical testing. Allele origin: germline.

Color Diagnostics, LLC DBA Color Health
Classification: Uncertain significance for Hereditary cancer-predisposing syndrome. Last evaluated: 2022-03-17. Review status: criteria provided, single submitter. Criteria: ACMG Guidelines, 2015. Collection method: clinical testing. Allele origin: germline.
Comment: This missense variant replaces cysteine with tyrosine at codon 653 of the PALB2 protein. Computational prediction suggests that this variant may not impact protein structure and function (internally defined REVEL score threshold <= 0.5, PMID: 27666373). To our knowledge, functional studies have not been reported for this variant. This variant has been detected in a breast cancer case-control meta-analysis in 1/60463 cases and 3/53461 unaffected individuals (PMID: 33471991; Leiden Open Variation Database DB-ID PALB2_010958). This variant has been identified in 11/251094 chromosomes in the general population by the Genome Aggregation Database (gnomAD). The available evidence is insufficient to determine the role of this variant in disease conclusively. Therefore, this variant is classified as a Variant of Uncertain Significance.

Literature cited by the submitters: PubMed 33471991 (cited by Color Diagnostics, LLC DBA Color Health).

NM_024675.4(PALB2):c.1958G>A (p.Cys653Tyr)

Gene: PALB2 (partner and localizer of BRCA2; minus strand). Cytogenetic location: 16p12.2.
Variant type: single nucleotide variant.
Coding change: c.1958G>A on transcript NM_024675.4 (MANE Select); coding-DNA position 1958, G replaced by A.
Protein change: p.Cys653Tyr; replaces cysteine 653 with tyrosine.
Molecular consequence: missense variant.
Genome position (GRCh38, 1-based): chr16:23,630,196, C>T on the plus strand (G>A on the coding strand, the complement: PALB2 is on the minus strand). VCF-style: chr16-23630196-C-T. GRCh37 (hg19) VCF-style: chr16-23641517-C-T.
Other names: short protein forms C653Y.
Identifiers: ClinVar variation 187730 (VCV000187730.17), dbSNP rs771246748, ClinGen allele CA198426.